The following is an entry in ClinVar:

NM_015692.5(CPAMD8):c.1536G>A (p.Ala512=)

Gene: CPAMD8 (C3 and PZP like alpha-2-macroglobulin domain containing 8; minus strand). Cytogenetic location: 19p13.11.
Variant type: single nucleotide variant.
Coding change: c.1536G>A on transcript NM_015692.5 (MANE Select); coding-DNA position 1536, G replaced by A.
Protein change: p.Ala512=; no amino-acid change (alanine 512 retained).
Molecular consequence: synonymous variant.
Genome position (GRCh38, 1-based): chr19:16,980,546, C>T on the plus strand (G>A on the coding strand, the complement: CPAMD8 is on the minus strand). VCF-style: chr19-16980546-C-T. GRCh37 (hg19) VCF-style: chr19-17091356-C-T.
Identifiers: ClinVar variation 780550 (VCV000780550.12), dbSNP rs61741489, ClinGen allele CA9285673.
Genomic context (GRCh38, chr19:16,980,546, plus strand): 5'-GCCCGGCTCACCTGTCTCAGAAAGGTGTGTTAAACGAATCGGTTTCTCCAGGGCAGGGGC[C>T]GCCCGCTTGCTTCGCTGCTGGGTGGTGTGGGCAGGCTGCTGGCCCGATAGCACAATATTG-3'
Protein context (NP_056507.3, residues 502-522): AHTTQQRSKR[Ala512=]APALEKPIRL

ClinVar aggregate classification (germline): Benign. Review status: criteria provided, multiple submitters, no conflicts (2 of 4 stars). 3 submissions from 3 submitters: Benign (2). 1 of the submissions does not count toward it. Last evaluated 2026-01-21.

Conditions:
CPAMD8-related disorder. Also called: CPAMD8-related condition.

Allele frequency attached by ClinVar (database versions not stated): gnomAD exomes 0.00701 and 0.00446; ExAC 0.00736; gnomAD 0.01040 and 0.01055; TOPMed 0.01105; ESP Exome Variant Server 0.01111; 1000 Genomes Project 0.01178; 1000 Genomes Project 30x 0.01468.
gnomAD v4.1: 8,177 of 1,613,856 alleles (0.51%); highest among the groups gnomAD compares: African/African-American, 2.8%; 86 homozygotes.

Submissions (3):

Labcorp Genetics (formerly Invitae), Labcorp
Classification: Benign. Last evaluated: 2026-01-21. Review status: criteria provided, single submitter. Criteria: Invitae Variant Classification Sherloc (09022015). Collection method: clinical testing. Allele origin: germline.

Breakthrough Genomics
Classification: Benign. Review status: criteria provided, single submitter. Criteria: ACMG Guidelines, 2015. Collection method: not provided. Allele origin: germline. Inheritance: Autosomal recessive inheritance. Affected: yes.

PreventionGenetics, part of Exact Sciences
Classification: Benign for CPAMD8-related condition. Last evaluated: 2020-02-26. Review status: no assertion criteria provided. Collection method: clinical testing. Allele origin: germline. Not counted in ClinVar's aggregate classification.
Comment: This variant is classified as benign based on ACMG/AMP sequence variant interpretation guidelines (Richards et al. 2015 PMID: 25741868, with internal and published modifications).